The following is an entry in ClinVar:

NM_032119.4(ADGRV1):c.6589C>A (p.Leu2197Met)

Gene: ADGRV1 (adhesion G protein-coupled receptor V1; plus strand). Cytogenetic location: 5q14.3.
Variant type: single nucleotide variant.
Coding change: c.6589C>A on transcript NM_032119.4 (MANE Select); coding-DNA position 6589, C replaced by A.
Protein change: p.Leu2197Met; replaces leucine 2197 with methionine.
Molecular consequence: missense variant. On other transcripts: non-coding transcript variant (1).
Genome position (GRCh38, 1-based): chr5:90,689,959, C>A. VCF-style: chr5-90689959-C-A. GRCh37 (hg19) VCF-style: chr5-89985776-C-A.
Other names: c.6589C>A (NM_032119.3); short protein forms L2197M.
Identifiers: ClinVar variation 1490121 (VCV001490121.6), dbSNP rs371023442, ClinGen allele CA3339833.

ClinVar aggregate classification (germline): Uncertain significance. Review status: criteria provided, multiple submitters, no conflicts (2 of 4 stars). 2 submissions from 2 submitters: Uncertain significance (2). Last evaluated 2022-08-20.

Conditions:
Inborn genetic diseases. Identifiers: MedGen C0950123, MeSH D030342.

Allele frequency attached by ClinVar (database versions not stated): gnomAD exomes 0.00001; TOPMed 0.00001; ExAC 0.00001; ESP Exome Variant Server 0.00008.
gnomAD v4.1: 14 of 1,611,660 alleles (0.00087%); highest among the groups gnomAD compares: Non-Finnish European, 0.0012%; no homozygotes.

Submissions (2):

Labcorp Genetics (formerly Invitae), Labcorp
Classification: Uncertain significance. Last evaluated: 2022-08-20. Review status: criteria provided, single submitter. Criteria: Invitae Variant Classification Sherloc (09022015). Collection method: clinical testing. Allele origin: germline.
Comment: This sequence change replaces leucine, which is neutral and non-polar, with methionine, which is neutral and non-polar, at codon 2197 of the ADGRV1 protein (p.Leu2197Met). This variant is present in population databases (rs371023442, gnomAD 0.002%). This variant has not been reported in the literature in individuals affected with ADGRV1-related conditions. ClinVar contains an entry for this variant (Variation ID: 1490121). Algorithms developed to predict the effect of missense changes on protein structure and function are either unavailable or do not agree on the potential impact of this missense change (SIFT: "Deleterious"; PolyPhen-2: "Probably Damaging"; Align-GVGD: "Class C0"). In summary, the available evidence is currently insufficient to determine the role of this variant in disease. Therefore, it has been classified as a Variant of Uncertain Significance.

Ambry Genetics
Classification: Uncertain significance for Inborn genetic diseases. Last evaluated: 2022-06-24. Review status: criteria provided, single submitter. Criteria: Ambry Variant Classification Scheme 2023. Collection method: clinical testing. Allele origin: germline.